The following is an entry in ClinVar:

NM_024411.5(PDYN):c.476G>A (p.Gly159Asp)

Genes: PDYN (prodynorphin; minus strand), PDYN-AS1 (PDYN antisense RNA 1; plus strand). Cytogenetic location: 20p13.
Variant type: single nucleotide variant.
Coding change: c.476G>A on transcript NM_024411.5 (MANE Select); coding-DNA position 476, G replaced by A.
Protein change: p.Gly159Asp; replaces glycine 159 with aspartic acid.
Molecular consequence: missense variant.
Genome position (GRCh38, 1-based): chr20:1,980,612, C>T on the plus strand (G>A on the coding strand, the complement: PDYN is on the minus strand). VCF-style: chr20-1980612-C-T. GRCh37 (hg19) VCF-style: chr20-1961258-C-T.
Other names: p.Gly159Asp; c.476G>A, p.Gly159Asp (NM_001190892.1, NM_001190898.3, NM_001190899.2 and 1 more transcripts); short protein forms G159D.
Identifiers: ClinVar variation 2723364 (VCV002723364.4), dbSNP rs144748816, ClinGen allele CA9730293.

ClinVar aggregate classification (germline): Conflicting classifications of pathogenicity. Review status: criteria provided, conflicting classifications (1 of 4 stars). 2 submissions from 2 submitters: Uncertain significance (1); Likely benign (1). Last evaluated 2025-12-18.

Allele frequency attached by ClinVar (database versions not stated): TOPMed 0.00008; gnomAD 0.00009; ExAC 0.00007; gnomAD exomes 0.00014; ESP Exome Variant Server 0.00015.

Submissions (2):

Labcorp Genetics (formerly Invitae), Labcorp
Classification: Uncertain significance. Last evaluated: 2025-12-18. Review status: criteria provided, single submitter. Criteria: Invitae Variant Classification Sherloc (09022015). Collection method: clinical testing. Allele origin: germline.
Comment: This sequence change replaces glycine, which is neutral and non-polar, with aspartic acid, which is acidic and polar, at codon 159 of the PDYN protein (p.Gly159Asp). This variant is present in population databases (rs144748816, gnomAD 0.01%). This missense change has been observed in individual(s) with ataxia (PMID: 23108490). ClinVar contains an entry for this variant (Variation ID: 2723364). Invitae Evidence Modeling of protein sequence and biophysical properties (such as structural, functional, and spatial information, amino acid conservation, physicochemical variation, residue mobility, and thermodynamic stability) indicates that this missense variant is not expected to disrupt PDYN protein function with a negative predictive value of 80%. In summary, the available evidence is currently insufficient to determine the role of this variant in disease. Therefore, it has been classified as a Variant of Uncertain Significance.

Mayo Clinic Laboratories, Mayo Clinic
Classification: Likely benign. Last evaluated: 2025-08-05. Review status: criteria provided, single submitter. Criteria: ACMG Guidelines, 2015. Collection method: clinical testing. Allele origin: germline. Observed: 3 variant alleles.
Comment: BS2, BP4_moderate

Literature cited by the submitters: PubMed 23108490 (cited by Labcorp Genetics (formerly Invitae), Labcorp and Mayo Clinic Laboratories, Mayo Clinic); PubMed 33175256 (cited by Mayo Clinic Laboratories, Mayo Clinic).